The following is an entry in ClinVar:

NM_001039141.3(TRIOBP):c.629-1G>C

Gene: TRIOBP (TRIO and F-actin binding protein; plus strand). Cytogenetic location: 22q13.1.
Variant type: single nucleotide variant.
Coding change: c.629-1G>C on transcript NM_001039141.3 (MANE Select); the canonical splice acceptor site of the intron before coding-DNA position 629, G replaced by C.
Molecular consequence: splice acceptor variant.
Genome position (GRCh38, 1-based): chr22:37,723,184, G>C. VCF-style: chr22-37723184-G-C. GRCh37 (hg19) VCF-style: chr22-38119191-G-C.
Identifiers: ClinVar variation 1346144 (VCV001346144.12), dbSNP rs766809690, ClinGen allele CA10223410.
Genomic context (GRCh38, chr22:37,723,184, plus strand): 5'-TAGAATATGAGAGCTGCCTGGACCTCTCCCCTTACCTTGAGCCCCTCTCTTCTCTCTCCA[G>C]ACACCGGCGGTGGGGGCCGGAGCGCAGGACAGCACTGGGCAAGGCTCCGGGGAGAAAGCG-3'

ClinVar aggregate classification (germline): Conflicting classifications of pathogenicity. Review status: criteria provided, conflicting classifications (1 of 4 stars). 5 submissions from 5 submitters: Likely pathogenic (4); Uncertain significance (1). Last evaluated 2026-03-12.

Conditions:
Rare genetic deafness. Identifiers: Orphanet 96210, MedGen C5680250.
Autosomal recessive nonsyndromic hearing loss 28. Identifiers: Orphanet 90636, MedGen C1853276, MONDO:0012355, OMIM 609823.
TRIOBP-related disorder. Also called: TRIOBP-related condition.

Allele frequency attached by ClinVar (database versions not stated): gnomAD 0.00001; gnomAD exomes 0.00002 and 0.00005; ExAC 0.00007.
gnomAD v4.1: 38 of 1,613,710 alleles (0.0024%); highest among the groups gnomAD compares: South Asian, 0.031%; 1 homozygote.

Submissions (5):

Dasa
Classification: Uncertain significance. Last evaluated: 2026-03-12. Review status: criteria provided, single submitter. Criteria: DASA Assertion Criteria. Collection method: clinical testing. Allele origin: germline.
Comment: NM_001039141.3(TRIOBP):c.629-1G>C affects a canonical splice site and is predicted to disrupt normal RNA splicing, leading to loss of normal protein function. Loss-of-function is an established mechanism of disease for this gene. The variant is present at low frequency in population datasets. Based on the available data, this variant is classified as variant of uncertain significance.

First Genomix Gene Laboratory, Genetic Diagnostics Department
Classification: Likely pathogenic for Autosomal recessive nonsyndromic hearing loss 28. Last evaluated: 2025-01-10. Review status: criteria provided, single submitter. Criteria: ACMG Guidelines, 2015. Collection method: clinical testing. Allele origin: germline. Inheritance: Autosomal recessive inheritance. Affected: no. Observed: 1 variant allele.

Blueprint Genetics
Classification: Likely pathogenic for TRIOBP-related disorders. Last evaluated: 2023-10-25. Review status: criteria provided, single submitter. Criteria: ACMG Guidelines, 2015. Collection method: clinical testing. Allele origin: germline. Affected: yes. Observed: 5 variant alleles.

Laboratory for Molecular Medicine, Mass General Brigham Personalized Medicine
Classification: Likely pathogenic for Rare genetic deafness. Last evaluated: 2022-08-26. Review status: criteria provided, single submitter. Criteria: ACMG Guidelines, 2015. Collection method: clinical testing. Allele origin: germline.
Comment: The c.629-1G>C variant in TRIOBP has not been reported in individuals with disease and has been identified in 2/4830 South Asian chromosomes by gnomAD.This variant occurs within the canonical splice site (+/- 1,2) and is predicted to cause altered splicing leading to an abnormal or absent protein. Loss of function of the TRIOBP gene is an established disease mechanism in autosomal recessive hearing loss. In summary, although additional studies are required to fully establish its clinical significance, this variant meets criteria to be classified as likely pathogenic for autosomal recessive hearing loss. ACMG/AMP Criteria applied: PM2_Supporting, PVS1.

Labcorp Genetics (formerly Invitae), Labcorp
Classification: Likely pathogenic. Last evaluated: 2021-02-26. Review status: criteria provided, single submitter. Criteria: Invitae Variant Classification Sherloc (09022015). Collection method: clinical testing. Allele origin: germline.
Comment: This sequence change affects an acceptor splice site in intron 6 of the TRIOBP gene. It is expected to disrupt RNA splicing. Variants that disrupt the donor or acceptor splice site typically lead to a loss of protein function (PMID: 16199547), and loss-of-function variants in TRIOBP are known to be pathogenic (PMID: 16385457, 16385458, 20510926). This variant is present in population databases (rs766809690, ExAC 0.02%). This variant has not been reported in the literature in individuals with TRIOBP-related conditions. Algorithms developed to predict the effect of sequence changes on RNA splicing suggest that this variant may disrupt the consensus splice site, but this prediction has not been confirmed by published transcriptional studies. In summary, the currently available evidence indicates that the variant is pathogenic, but additional data are needed to prove that conclusively. Therefore, this variant has been classified as Likely Pathogenic.

Literature cited by the submitters: PubMed 16199547 (cited by Labcorp Genetics (formerly Invitae), Labcorp); PubMed 16385457 (cited by Labcorp Genetics (formerly Invitae), Labcorp); PubMed 16385458 (cited by Labcorp Genetics (formerly Invitae), Labcorp); PubMed 20510926 (cited by Labcorp Genetics (formerly Invitae), Labcorp).